The following is an entry in ClinVar:

ClinVar aggregate classification (germline): Uncertain significance. Review status: criteria provided, single submitter (1 of 4 stars). 2 submissions from 2 submitters: Uncertain significance (1). 1 of the submissions does not count toward it. Last evaluated 2018-12-28.

Conditions:
TNF receptor-associated periodic fever syndrome (TRAPS) (FPF). Also called: Autosomal Dominant Familial Periodic Fever; TNF RECEPTOR-ASSOCIATED PERIODIC SYNDROME; TUMOR NECROSIS FACTOR RECEPTOR-ASSOCIATED PERIODIC SYNDROME; TNF Receptor-Associated Periodic Fever Syndrome; FAMILIAL HIBERNIAN FEVER; TNF receptor 1-associated periodic fever syndrome. Identifiers: Orphanet 32960, MedGen C1275126, MONDO:0007727, OMIM 142680.

Submissions (2):

Labcorp Genetics (formerly Invitae), Labcorp
Classification: Uncertain significance for TNF receptor-associated periodic fever syndrome (TRAPS). Last evaluated: 2018-12-28. Review status: criteria provided, single submitter. Criteria: Invitae Variant Classification Sherloc (09022015). Collection method: clinical testing. Allele origin: germline.
Comment: This sequence change replaces cysteine with tryptophan at codon 81 of the TNFRSF1A protein (p.Cys81Trp). The cysteine residue is highly conserved and there is a large physicochemical difference between cysteine and tryptophan. This variant is not present in population databases (ExAC no frequency). This variant has been reported in an individual in the Infevers database (PMID: 12520003). ClinVar contains an entry for this variant (Variation ID: 97670). Algorithms developed to predict the effect of missense changes on protein structure and function (SIFT, PolyPhen-2, Align-GVGD) all suggest that this variant is likely to be disruptive, but these predictions have not been confirmed by published functional studies and their clinical significance is uncertain. This variant disrupts the p.Cys81 amino acid residue (also known as p.Cys52) in TNFRSF1A. Other variant(s) that disrupt this residue have been observed in individuals with TNFRSF1A-related conditions (PMID: 13130484, 16508982, 10199409), suggesting that it is a clinically significant residue. As a result, variants that disrupt this residue are likely to be causative of disease. In summary, the available evidence is currently insufficient to determine the role of this variant in disease. Therefore, it has been classified as a Variant of Uncertain Significance.

Unité médicale des maladies autoinflammatoires, CHRU Montpellier
No classification provided. Condition: TNF receptor-associated periodic fever syndrome (TRAPS). Review status: no classification provided. Collection method: not provided. Allele origin: unknown. Not counted in ClinVar's aggregate classification.

Literature cited by the submitters: PubMed 13130484 (cited by Labcorp Genetics (formerly Invitae), Labcorp); PubMed 10199409 (cited by Labcorp Genetics (formerly Invitae), Labcorp); PubMed 12520003 (cited by Labcorp Genetics (formerly Invitae), Labcorp); PubMed 16508982 (cited by Labcorp Genetics (formerly Invitae), Labcorp).

NM_001065.4(TNFRSF1A):c.243C>G (p.Cys81Trp)

Gene: TNFRSF1A (TNF receptor superfamily member 1A; minus strand). Cytogenetic location: 12p13.31.
Variant type: single nucleotide variant.
Coding change: c.243C>G on transcript NM_001065.4 (MANE Select); coding-DNA position 243, C replaced by G.
Protein change: p.Cys81Trp; replaces cysteine 81 with tryptophan.
Molecular consequence: missense variant. On other transcripts: 5 prime UTR variant (2), non-coding transcript variant (1).
Genome position (GRCh38, 1-based): chr12:6,333,816, G>C on the plus strand (C>G on the coding strand, the complement: TNFRSF1A is on the minus strand). VCF-style: chr12-6333816-G-C. GRCh37 (hg19) VCF-style: chr12-6442982-G-C.
Other names: c.-82C>G (NM_001346091.2); c.-335C>G (NM_001346092.2); short protein forms C81W.
Identifiers: ClinVar variation 97670 (VCV000097670.2), dbSNP rs56002980, ClinGen allele CA280769.